The following is an entry in ClinVar:

ClinVar aggregate classification (germline): Uncertain significance (1 of 4 stars; one submission).

Submission:

GeneDx
Classification: Uncertain significance. Last evaluated: 2019-07-18. Review status: criteria provided, single submitter. Criteria: GeneDx Variant Classification Process June 2021. Collection method: clinical testing. Allele origin: germline. Affected: yes.
Comment: Not observed in large population cohorts (Lek et al., 2016); Frameshift variant predicted to result in protein truncation as the last 39 amino acids are lost and replaced with 28 incorrect amino acids, although loss-of-function variants have not been reported downstream of this position in the protein; Has not been previously published as pathogenic or benign to our knowledge

NM_001378414.1(HDAC4):c.3151_3152del (p.Gln1051fs)

Gene: HDAC4 (histone deacetylase 4; minus strand). Cytogenetic location: 2q37.3.
Variant type: Deletion.
Coding change: c.3151_3152del on transcript NM_001378414.1 (MANE Select); coding-DNA positions 3151 to 3152, 2 bases deleted (CA; older notation c.3151_3152delCA).
Protein change: p.Gln1051fs; shifts the reading frame from glutamine 1051.
Molecular consequence: frameshift variant.
Genome position (GRCh38, 1-based): chr2:239,053,538-239,053,539, TG deleted on the plus strand (CA on the coding strand, the reverse complement: HDAC4 is on the minus strand). VCF-style (leftmost placement, unchanged base first): chr2-239053537-CTG-C. GRCh37 (hg19) VCF-style: chr2-239975233-CTG-C.
Other names: c.3151_3152del, p.Gln1051fs (NM_001378415.1); c.3136_3137del, p.Gln1046fs (NM_001378416.1, NM_001378417.1, NM_006037.4); short protein forms Q1046fs, Q1051fs.
Identifiers: ClinVar variation 1302364 (VCV001302364.2), dbSNP rs2106390789, ClinGen allele CA2573051902.